The following is an entry in ClinVar:

NM_002458.3(MUC5B):c.11648C>T (p.Thr3883Met)

Genes: MUC5B (mucin 5B, oligomeric mucus/gel-forming; plus strand), MUC5B-AS1 (MUC5B antisense RNA 1; minus strand). Cytogenetic location: 11p15.5.
Variant type: single nucleotide variant.
Coding change: c.11648C>T on transcript NM_002458.3 (MANE Select); coding-DNA position 11648, C replaced by T.
Protein change: p.Thr3883Met; replaces threonine 3883 with methionine.
Molecular consequence: missense variant.
Genome position (GRCh38, 1-based): chr11:1,248,528, C>T. VCF-style: chr11-1248528-C-T. GRCh37 (hg19) VCF-style: chr11-1269758-C-T.
Other names: short protein forms T3883M.
Identifiers: ClinVar variation 3257621 (VCV003257621.18).

ClinVar aggregate classification (germline): Likely benign. Review status: criteria provided, multiple submitters, no conflicts (2 of 4 stars). 2 submissions from 2 submitters: Likely benign (2). Last evaluated 2025-01-01.

gnomAD v4.1: 4,727 of 1,550,944 alleles (0.3%); highest among the groups gnomAD compares: Non-Finnish European, 0.29%; 2 homozygotes.

Submissions (2):

CeGaT Center for Human Genetics Tuebingen
Classification: Likely benign. Last evaluated: 2025-01-01. Review status: criteria provided, single submitter. Criteria: CeGaT Center For Human Genetics Tuebingen Variant Classification Criteria Version 2. Collection method: clinical testing. Allele origin: germline. Affected: yes. Observed: 3 variant alleles.
Comment: MUC5B: BP4, BS1

Blueprint Genetics
Classification: Likely benign. Last evaluated: 2024-11-26. Review status: criteria provided, single submitter. Criteria: ACMG Guidelines, 2015. Collection method: clinical testing. Allele origin: germline.